The following is an entry in ClinVar:

ClinVar aggregate classification (germline): Uncertain significance (1 of 4 stars; one submission).

Conditions:
RASopathy. Also called: Noonan spectrum disorder; rasopathies. Identifiers: Orphanet 536391, MedGen C5555857, MONDO:0021060.

gnomAD v4.1: 1 of 1,613,268 alleles (0.000062%); highest among the groups gnomAD compares: Non-Finnish European, 0.000085%; no homozygotes.

Submission:

Labcorp Genetics (formerly Invitae), Labcorp
Classification: Uncertain significance for RASopathy. Last evaluated: 2025-12-15. Review status: criteria provided, single submitter. Criteria: Invitae Variant Classification Sherloc (09022015). Collection method: clinical testing. Allele origin: germline.
Comment: This sequence change replaces serine, which is neutral and polar, with glycine, which is neutral and non-polar, at codon 634 of the BRAF protein (p.Ser634Gly). This variant is not present in population databases (gnomAD no frequency). This variant has not been reported in the literature in individuals affected with BRAF-related conditions. Invitae Evidence Modeling of protein sequence and biophysical properties (such as structural, functional, and spatial information, amino acid conservation, physicochemical variation, residue mobility, and thermodynamic stability) indicates that this missense variant is expected to disrupt BRAF protein function with a positive predictive value of 80%. In summary, the available evidence is currently insufficient to determine the role of this variant in disease. Therefore, it has been classified as a Variant of Uncertain Significance.

NM_004333.6(BRAF):c.1900A>G (p.Ser634Gly)

Gene: BRAF (B-Raf proto-oncogene, serine/threonine kinase; minus strand). Cytogenetic location: 7q34.
Variant type: single nucleotide variant.
Coding change: c.1900A>G on transcript NM_004333.6 (MANE Select); coding-DNA position 1900, A replaced by G.
Protein change: p.Ser634Gly; replaces serine 634 with glycine.
Molecular consequence: missense variant.
Genome position (GRCh38, 1-based): chr7:140,749,379, T>C on the plus strand (A>G on the coding strand, the complement: BRAF is on the minus strand). VCF-style: chr7-140749379-T-C. GRCh37 (hg19) VCF-style: chr7-140449179-T-C.
Other names: c.1900A>G, p.Ser634Gly (NM_001354609.2, NM_001378468.1, NM_001378474.1); c.2020A>G, p.Ser674Gly (NM_001374244.1, NM_001374258.1); c.1909A>G, p.Ser637Gly (NM_001378467.1); c.1834A>G, p.Ser612Gly (NM_001378469.1); c.1798A>G, p.Ser600Gly (NM_001378470.1); c.1789A>G, p.Ser597Gly (NM_001378471.1); c.1744A>G, p.Ser582Gly (NM_001378472.1, NM_001378473.1); c.1636A>G, p.Ser546Gly (NM_001378475.1); short protein forms S546G, S600G, S634G, S637G, S597G, S674G, S582G, S612G.
Identifiers: ClinVar variation 4770539 (VCV004770539.1).
Genomic context (GRCh38, chr7:140,749,379, plus strand): 5'-ACTGTCCAGTCATCAATTCATACAGAACAATTCCAAATGCATATACATCTGACTGAAAGC[T>C]GTATGGATTTTTATCTTGCATTCTGATGACTTCTGGTGCCTGTTAGAACATACAAAGAAA-3'
Protein context (NP_004324.2, residues 624-644): VIRMQDKNPY[Ser634Gly]FQSDVYAFGI